The following is an entry in ClinVar:

ClinVar aggregate classification (germline): Conflicting classifications of pathogenicity. Review status: criteria provided, conflicting classifications (1 of 4 stars). 2 submissions from 2 submitters: Uncertain significance (1); Likely benign (1). Last evaluated 2025-03-04.

gnomAD v4.1: 76 of 1,175,535 alleles (0.0065%); highest among the groups gnomAD compares: Non-Finnish European, 0.0082%; no homozygotes.

Submissions (2):

Labcorp Genetics (formerly Invitae), Labcorp
Classification: Uncertain significance. Last evaluated: 2025-03-04. Review status: criteria provided, single submitter. Criteria: Invitae Variant Classification Sherloc (09022015). Collection method: clinical testing. Allele origin: germline.
Comment: This sequence change affects codon 467 of the CACNA1F mRNA. It is a 'silent' change, meaning that it does not change the encoded amino acid sequence of the CACNA1F protein. It affects a nucleotide within the consensus splice site. The frequency data for this variant in the population databases is considered unreliable, as metrics indicate poor data quality at this position in the gnomAD database. This variant has not been reported in the literature in individuals affected with CACNA1F-related conditions. Algorithms developed to predict the effect of sequence changes on RNA splicing suggest that this variant is not likely to affect RNA splicing. In summary, the available evidence is currently insufficient to determine the role of this variant in disease. Therefore, it has been classified as a Variant of Uncertain Significance.

Blueprint Genetics
Classification: Likely benign. Last evaluated: 2021-10-15. Review status: criteria provided, single submitter. Criteria: ACMG Guidelines, 2015. Collection method: clinical testing. Allele origin: germline.

NM_001256789.3(CACNA1F):c.1368T>C (p.His456=)

Gene: CACNA1F (calcium voltage-gated channel subunit alpha1 F; minus strand). Cytogenetic location: Xp11.23.
Variant type: single nucleotide variant.
Coding change: c.1368T>C on transcript NM_001256789.3 (MANE Select); coding-DNA position 1368, T replaced by C.
Protein change: p.His456=; no amino-acid change (histidine 456 retained).
Molecular consequence: synonymous variant.
Genome position (GRCh38, 1-based): chrX:49,226,611, A>G on the plus strand (T>C on the coding strand, the complement: CACNA1F is on the minus strand). VCF-style: chrX-49226611-A-G. GRCh37 (hg19) VCF-style: chrX-49083073-A-G.
Other names: c.1206T>C, p.His402= (NM_001256790.3); c.1401T>C, p.His467= (NM_005183.4).
Identifiers: ClinVar variation 4753597 (VCV004753597.2).